The following is an entry in ClinVar:

NM_002354.3(EPCAM):c.135A>C (p.Gln45His)

Gene: EPCAM (epithelial cell adhesion molecule; plus strand). Cytogenetic location: 2p21.
Variant type: single nucleotide variant.
Coding change: c.135A>C on transcript NM_002354.3 (MANE Select); coding-DNA position 135, A replaced by C.
Protein change: p.Gln45His; replaces glutamine 45 with histidine.
Molecular consequence: missense variant.
Genome position (GRCh38, 1-based): chr2:47,373,521, A>C. VCF-style: chr2-47373521-A-C. GRCh37 (hg19) VCF-style: chr2-47600660-A-C.
Other names: short protein forms Q45H.
Identifiers: ClinVar variation 4018553 (VCV004018553.1).

ClinVar aggregate classification (germline): Uncertain significance (1 of 4 stars; one submission).

Conditions:
Hereditary cancer-predisposing syndrome. Also called: Tumor predisposition; Hereditary neoplastic syndrome; Neoplastic Syndromes, Hereditary; Hereditary Cancer Syndrome. Identifiers: Orphanet 140162, MedGen C0027672, MeSH D009386, MONDO:0015356.

gnomAD v4.1: 1 of 1,613,962 alleles (0.000062%); highest among the groups gnomAD compares: East Asian, 0.0022%; no homozygotes.

Submission:

Ambry Genetics
Classification: Uncertain significance for Hereditary cancer-predisposing syndrome. Last evaluated: 2025-03-29. Review status: criteria provided, single submitter. Criteria: Ambry Variant Classification Scheme 2023. Collection method: clinical testing. Allele origin: germline.
Comment: The p.Q45H variant (also known as c.135A>C), located in coding exon 2 of the EPCAM gene, results from an A to C substitution at nucleotide position 135. The glutamine at codon 45 is replaced by histidine, an amino acid with highly similar properties. This amino acid position is conserved. In addition, this alteration is predicted to be tolerated by in silico analysis. Based on the available evidence, the clinical significance of this variant remains unclear.